The following is an entry in ClinVar:

NM_015072.5(TTLL5):c.139G>T (p.Asp47Tyr)

Gene: TTLL5 (tubulin tyrosine ligase like 5; plus strand). Cytogenetic location: 14q24.3.
Variant type: single nucleotide variant.
Coding change: c.139G>T on transcript NM_015072.5 (MANE Select); coding-DNA position 139, G replaced by T.
Protein change: p.Asp47Tyr; replaces aspartic acid 47 with tyrosine.
Molecular consequence: missense variant.
Genome position (GRCh38, 1-based): chr14:75,669,480, G>T. VCF-style: chr14-75669480-G-T. GRCh37 (hg19) VCF-style: chr14-76135823-G-T.
Other names: short protein forms D47Y.
Identifiers: ClinVar variation 965130 (VCV000965130.10), dbSNP rs777806616, ClinGen allele CA390465706.

ClinVar aggregate classification (germline): Uncertain significance (1 of 4 stars; one submission).

Submission:

Labcorp Genetics (formerly Invitae), Labcorp
Classification: Uncertain significance. Last evaluated: 2022-06-07. Review status: criteria provided, single submitter. Criteria: Invitae Variant Classification Sherloc (09022015). Collection method: clinical testing. Allele origin: germline.
Comment: Algorithms developed to predict the effect of missense changes on protein structure and function are either unavailable or do not agree on the potential impact of this missense change (SIFT: "Deleterious"; PolyPhen-2: "Benign"; Align-GVGD: "Class C0"). This variant has not been reported in the literature in individuals affected with TTLL5-related conditions. ClinVar contains an entry for this variant (Variation ID: 965130). In summary, the available evidence is currently insufficient to determine the role of this variant in disease. Therefore, it has been classified as a Variant of Uncertain Significance. This sequence change replaces aspartic acid, which is acidic and polar, with tyrosine, which is neutral and polar, at codon 47 of the TTLL5 protein (p.Asp47Tyr). This variant is not present in population databases (gnomAD no frequency).